The following is an entry in ClinVar:

ClinVar aggregate classification (germline): Benign. Review status: criteria provided, multiple submitters, no conflicts (2 of 4 stars). 2 submissions from 2 submitters: Benign (2). Last evaluated 2018-06-15.

Allele frequency attached by ClinVar (database versions not stated): gnomAD 0.53083 and 0.53355; TOPMed 0.54359; 1000 Genomes Project 30x 0.58136; 1000 Genomes Project 0.58626.
gnomAD v4.1: 81,091 of 151,974 alleles (53%); highest among the groups gnomAD compares: Admixed American, 63%; 21,827 homozygotes.

Submissions (2):

GeneDx
Classification: Benign. Last evaluated: 2018-06-15. Review status: criteria provided, single submitter. Criteria: GeneDx Variant Classification (06012015). Collection method: clinical testing. Allele origin: germline. Affected: yes.
Comment: This variant is considered likely benign or benign based on one or more of the following criteria: it is a conservative change, it occurs at a poorly conserved position in the protein, it is predicted to be benign by multiple in silico algorithms, and/or has population frequency not consistent with disease.

Breakthrough Genomics
Classification: Benign. Review status: criteria provided, single submitter. Criteria: ACMG Guidelines, 2015. Collection method: not provided. Allele origin: germline. Inheritance: Autosomal dominant inheritance. Affected: yes.

NM_001134363.3(RBM20):c.2656-153C>T

Gene: RBM20 (RNA binding motif protein 20; plus strand). Cytogenetic location: 10q25.2.
Variant type: single nucleotide variant.
Coding change: c.2656-153C>T on transcript NM_001134363.3 (MANE Select); 153 bases into the intron before coding-DNA position 2656, C replaced by T.
Molecular consequence: intron variant.
Genome position (GRCh38, 1-based): chr10:110,821,122, C>T. VCF-style: chr10-110821122-C-T. GRCh37 (hg19) VCF-style: chr10-112580880-C-T.
Identifiers: ClinVar variation 672037 (VCV000672037.2), dbSNP rs10787283, ClinGen allele CA13275075.